The following is an entry in ClinVar:

ClinVar aggregate classification (germline): Benign (1 of 4 stars; one submission).

Conditions:
Fibrous dysplasia of jaw (CRBM). Also called: Cherubism. Identifiers: Orphanet 184, MedGen C0008029, MONDO:0007315, OMIM 118400.

Allele frequency attached by ClinVar (database versions not stated): gnomAD 0.03226 and 0.03460; 1000 Genomes Project 0.03494; TOPMed 0.03674; 1000 Genomes Project 30x 0.03716.

Submission:

Illumina Laboratory Services, Illumina
Classification: Benign for Fibrous dysplasia of jaw. Last evaluated: 2018-01-12. Review status: criteria provided, single submitter. Criteria: ICSL Variant Classification Criteria 13 December 2019. Collection method: clinical testing. Allele origin: germline.
Comment: This variant was observed in the ICSL laboratory as part of a predisposition screen in an ostensibly healthy population. It had not been previously curated by ICSL or reported in the Human Gene Mutation Database (HGMD: prior to June 1st, 2018), and was therefore a candidate for classification through an automated scoring system. Utilizing variant allele frequency, disease prevalence and penetrance estimates, and inheritance mode, an automated score was calculated to assess if this variant is too frequent to cause the disease. Based on the score and internal cut-off values, a variant classified as benign is not then subjected to further curation. The score for this variant resulted in a classification of benign for this disease.

NM_001122681.2(SH3BP2):c.*6618G>A

Gene: SH3BP2 (SH3 domain binding protein 2; plus strand). Cytogenetic location: 4p16.3.
Variant type: single nucleotide variant.
Coding change: c.*6618G>A on transcript NM_001122681.2 (MANE Select); 6618 bases downstream of the stop codon, G replaced by A.
Molecular consequence: 3 prime UTR variant.
Genome position (GRCh38, 1-based): chr4:2,840,452, G>A. VCF-style: chr4-2840452-G-A. GRCh37 (hg19) VCF-style: chr4-2842179-G-A.
Other names: c.*6618G>A (LRG_1334t2, LRG_1334t1, NM_001145855.2 and 2 more transcripts).
Identifiers: ClinVar variation 348711 (VCV000348711.5), dbSNP rs75024596, ClinGen allele CA10617725.